The following is an entry in ClinVar:

ClinVar aggregate classification (germline): Uncertain significance (1 of 4 stars; one submission).

Conditions:
Facioscapulohumeral muscular dystrophy 2 (FSHD2). Also called: MUSCULAR DYSTROPHY, FACIOSCAPULOHUMERAL, TYPE 1B; FACIOSCAPULOHUMERAL MUSCULAR DYSTROPHY 2, DIGENIC; FSHD2, DIGENIC. Identifiers: Orphanet 269, MedGen C1834671, MONDO:0008031, OMIM 158901.

Submission:

Labcorp Genetics (formerly Invitae), Labcorp
Classification: Uncertain significance for Facioscapulohumeral muscular dystrophy 2. Last evaluated: 2018-06-12. Review status: criteria provided, single submitter. Criteria: Invitae Variant Classification Sherloc (09022015). Collection method: clinical testing. Allele origin: germline.
Comment: This variant results in a copy number gain of the genomic region encompassing the full coding sequence of the SMCHD1 gene. The boundaries of this event are unknown as they extend beyond the assayed region for this gene and therefore may encompass additional genes. As the precise location of this event is unknown, it may be in tandem or it may be located elsewhere in the genome. This variant has not been reported in the literature in individuals with SMCHD1-related disease. In summary, the available evidence is currently insufficient to determine the role of this variant in disease. Therefore, it has been classified as a Variant of Uncertain Significance.

NC_000018.9:g.(?_2656055)_(3215241_?)dup

Genes: EMILIN2 (elastin microfibril interfacer 2; plus strand), LPIN2 (lipin 2; minus strand), MYOM1 (myomesin 1; minus strand), SMCHD1 (structural maintenance of chromosomes flexible hinge domain containing 1; plus strand). Cytogenetic location: 18p11.32-11.31.
Variant type: Duplication.
Identifiers: ClinVar variation 583867 (VCV000583867.1).